The following is an entry in ClinVar:

ClinVar aggregate classification (germline): Uncertain significance (1 of 4 stars; one submission).

Allele frequency attached by ClinVar (database versions not stated): TOPMed below 0.00001; gnomAD exomes 0.00001.
gnomAD v4.1: 3 of 1,613,668 alleles (0.00019%); highest among the groups gnomAD compares: African/African-American, 0.0013%; no homozygotes.

Submission:

Labcorp Genetics (formerly Invitae), Labcorp
Classification: Uncertain significance. Last evaluated: 2021-11-22. Review status: criteria provided, single submitter. Criteria: Invitae Variant Classification Sherloc (09022015). Collection method: clinical testing. Allele origin: germline.
Comment: This sequence change replaces glycine, which is neutral and non-polar, with arginine, which is basic and polar, at codon 447 of the C6 protein (p.Gly447Arg). This variant is present in population databases (no rsID available, gnomAD 0.007%). This variant has not been reported in the literature in individuals affected with C6-related conditions. Algorithms developed to predict the effect of missense changes on protein structure and function are either unavailable or do not agree on the potential impact of this missense change (SIFT: "Deleterious"; PolyPhen-2: "Probably Damaging"; Align-GVGD: "Class C15"). In summary, the available evidence is currently insufficient to determine the role of this variant in disease. Therefore, it has been classified as a Variant of Uncertain Significance.

NM_000065.5(C6):c.1339G>A (p.Gly447Arg)

Gene: C6 (complement C6; minus strand). Cytogenetic location: 5p13.1.
Variant type: single nucleotide variant.
Coding change: c.1339G>A on transcript NM_000065.5 (MANE Select); coding-DNA position 1339, G replaced by A.
Protein change: p.Gly447Arg; replaces glycine 447 with arginine.
Molecular consequence: missense variant.
Genome position (GRCh38, 1-based): chr5:41,161,812, C>T on the plus strand (G>A on the coding strand, the complement: C6 is on the minus strand). VCF-style: chr5-41161812-C-T. GRCh37 (hg19) VCF-style: chr5-41161914-C-T.
Other names: c.1339G>A, p.Gly447Arg (NM_001115131.4); short protein forms G447R.
Identifiers: ClinVar variation 1490230 (VCV001490230.5), dbSNP rs1282235295, ClinGen allele CA359598345.